The following is an entry in ClinVar:

NM_004859.4(CLTC):c.592G>A (p.Ala198Thr)

Gene: CLTC (clathrin heavy chain; plus strand). Cytogenetic location: 17q23.1.
Variant type: single nucleotide variant.
Coding change: c.592G>A on transcript NM_004859.4 (MANE Select); coding-DNA position 592, G replaced by A.
Protein change: p.Ala198Thr; replaces alanine 198 with threonine.
Molecular consequence: missense variant.
Genome position (GRCh38, 1-based): chr17:59,648,312, G>A. VCF-style: chr17-59648312-G-A. GRCh37 (hg19) VCF-style: chr17-57725673-G-A.
Other names: c.604G>A, p.Ala202Thr (NM_001288653.2); short protein forms A198T, A202T.
Identifiers: ClinVar variation 3493990 (VCV003493990.3).

ClinVar aggregate classification (germline): Uncertain significance. Review status: criteria provided, multiple submitters, no conflicts (2 of 4 stars). 2 submissions from 2 submitters: Uncertain significance (2). Last evaluated 2024-12-04.

Conditions:
Inborn genetic diseases. Identifiers: MedGen C0950123, MeSH D030342.

Submissions (2):

Ambry Genetics
Classification: Uncertain significance for Inborn genetic diseases. Last evaluated: 2024-12-04. Review status: criteria provided, single submitter. Criteria: Ambry Variant Classification Scheme 2023. Collection method: clinical testing. Allele origin: germline.

Labcorp Genetics (formerly Invitae), Labcorp
Classification: Uncertain significance. Last evaluated: 2024-02-22. Review status: criteria provided, single submitter. Criteria: Invitae Variant Classification Sherloc (09022015). Collection method: clinical testing. Allele origin: germline.
Comment: This sequence change replaces alanine, which is neutral and non-polar, with threonine, which is neutral and polar, at codon 202 of the CLTC protein (p.Ala202Thr). This variant is not present in population databases (gnomAD no frequency). This variant has not been reported in the literature in individuals affected with CLTC-related conditions. Advanced modeling of protein sequence and biophysical properties (such as structural, functional, and spatial information, amino acid conservation, physicochemical variation, residue mobility, and thermodynamic stability) performed at Invitae indicates that this missense variant is not expected to disrupt CLTC protein function with a negative predictive value of 80%. In summary, the available evidence is currently insufficient to determine the role of this variant in disease. Therefore, it has been classified as a Variant of Uncertain Significance.